The following is an entry in ClinVar:

NM_001105206.3(LAMA4):c.5443G>A (p.Val1815Ile)

Gene: LAMA4 (laminin subunit alpha 4; minus strand). Cytogenetic location: 6q21.
Variant type: single nucleotide variant.
Coding change: c.5443G>A on transcript NM_001105206.3 (MANE Select); coding-DNA position 5443, G replaced by A.
Protein change: p.Val1815Ile; replaces valine 1815 with isoleucine.
Molecular consequence: missense variant.
Genome position (GRCh38, 1-based): chr6:112,109,466, C>T on the plus strand (G>A on the coding strand, the complement: LAMA4 is on the minus strand). VCF-style: chr6-112109466-C-T. GRCh37 (hg19) VCF-style: chr6-112430669-C-T.
Other names: p.V1808I:GTA>ATA; c.5422G>A, p.Val1808Ile (NM_001105207.3, NM_002290.5); short protein forms V1808I, V1815I.
Identifiers: ClinVar variation 44408 (VCV000044408.67), dbSNP rs3734292, ClinGen allele CA282405.
Genomic context (GRCh38, chr6:112,109,466, plus strand): 5'-CTTTGTATTTGGGCAGCTGTGCTCTGTCATGTCAGGCTGCTGGACAGGAGTTGATGCTTA[C>T]GGCGCCGCTGACCAGGGCTGCTTTACTGAAGCTCACTGGGTGTCCATCAATCACAAAGTG-3'
Protein context (NP_001098676.2, residues 1805-1823): FSKAALVSGA[Val1815Ile]SINSCPAA

ClinVar aggregate classification (germline): Benign/Likely benign. Review status: criteria provided, multiple submitters, no conflicts (2 of 4 stars). 12 submissions from 12 submitters: Benign (9); Likely benign (1). 2 of the submissions do not count toward it. Last evaluated 2026-02-02.

Conditions:
Dilated cardiomyopathy 1JJ (CMD1JJ). Identifiers: Orphanet 154, MedGen C3808935, MONDO:0014095, OMIM 615235.
Cardiomyopathy (CMYO). Also called: Cardiomyopathies. Identifiers: Orphanet 167848, MedGen C0878544, MONDO:0004994, HP:0001638. Inheritance: Various modes of inheritance.

Allele frequency attached by ClinVar (database versions not stated): 1000 Genomes Project 30x 0.01421; 1000 Genomes Project 0.01498; ESP Exome Variant Server 0.00015; gnomAD 0.00274 and 0.00174; TOPMed 0.00321.
gnomAD v4.1: 3,872 of 1,614,012 alleles (0.24%); highest among the groups gnomAD compares: East Asian, 7.1%; 122 homozygotes.

Submissions (12):

Labcorp Genetics (formerly Invitae), Labcorp
Classification: Benign for Dilated cardiomyopathy 1JJ. Last evaluated: 2026-02-02. Review status: criteria provided, single submitter. Criteria: Invitae Variant Classification Sherloc (09022015). Collection method: clinical testing. Allele origin: germline.

Women's Health and Genetics/Laboratory Corporation of America, LabCorp
Classification: Likely benign. Last evaluated: 2023-04-09. Review status: criteria provided, single submitter. Criteria: LabCorp Variant Classification Summary - May 2015. Collection method: clinical testing. Allele origin: germline.

ARUP Laboratories, Molecular Genetics and Genomics, ARUP Laboratories
Classification: Benign for Dilated cardiomyopathy 1JJ. Last evaluated: 2021-09-03. Review status: criteria provided, single submitter. Criteria: ARUP Molecular Germline Variant Investigation Process 2021. Collection method: clinical testing. Allele origin: germline.

Mendelics
Classification: Benign for Dilated cardiomyopathy 1JJ. Last evaluated: 2019-05-28. Review status: criteria provided, single submitter. Criteria: Mendelics Assertion Criteria 2017. Collection method: clinical testing. Allele origin: unknown.

Institute of Human Genetics, University of Leipzig Medical Center
Classification: Benign for Dilated cardiomyopathy 1JJ. Last evaluated: 2019-01-01. Review status: criteria provided, single submitter. Criteria: ACMG Guidelines, 2015. Collection method: clinical testing. Allele origin: unknown. Affected: no.

GeneDx
Classification: Benign. Last evaluated: 2018-12-03. Review status: criteria provided, single submitter. Criteria: GeneDx Variant Classification Process June 2021. Collection method: clinical testing. Allele origin: germline. Affected: yes.
Comment: This variant is associated with the following publications: (PMID: 26406308, 31180159)

CHEO Genetics Diagnostic Laboratory, Children's Hospital of Eastern Ontario
Classification: Benign for Cardiomyopathy. Last evaluated: 2017-08-09. Review status: criteria provided, single submitter. Criteria: ACMG Guidelines, 2015. Collection method: clinical testing. Allele origin: germline. Study: Canadian Open Genetics Repository.

Clinical Genetics DNA and cytogenetics Diagnostics Lab, Erasmus MC, Erasmus Medical Center
Classification: Benign for Dilated cardiomyopathy 1JJ. Last evaluated: 2015-09-21. Review status: criteria provided, single submitter. Criteria: ACGS Guidelines, 2013. Collection method: clinical testing. Allele origin: germline. Affected: yes. Study: VKGL Data-share Consensus.

Biesecker Lab/Clinical Genomics Section, National Institutes of Health
Classification: Benign. Last evaluated: 2013-06-24. Review status: criteria provided, single submitter. Criteria: Ng et al. (Circ Cardiovasc Genet. 2013). Collection method: research. Allele origin: unknown. Observed: 4 variant alleles. Study: ClinSeq.
Comment: The study set was not selected for affection status in relation to any cancer. Pathogenicity categories were based on literature curation. See Pubmed ID:23861362 for details.

Medical sequencing

Laboratory for Molecular Medicine, Mass General Brigham Personalized Medicine
Classification: Benign. Last evaluated: 2012-05-01. Review status: criteria provided, single submitter. Criteria: LMM Criteria. Collection method: clinical testing. Allele origin: germline. Observed: 7 variant alleles.
Comment: Val1808Ile in Exon 39 of LAMA4: This variant is not expected to have clinical si gnificance because it has been identified in 12.8% (11/86) of chromosomes from a population in the dbSNP database (rs3 734292).

Clinical Genetics, Academic Medical Center
Classification: Benign. Review status: no assertion criteria provided. Collection method: clinical testing. Allele origin: germline. Affected: yes. Study: VKGL Data-share Consensus. Not counted in ClinVar's aggregate classification.

Joint Genome Diagnostic Labs from Nijmegen and Maastricht, Radboudumc and MUMC+
Classification: Benign. Review status: no assertion criteria provided. Collection method: clinical testing. Allele origin: germline. Affected: yes. Study: VKGL Data-share Consensus. Not counted in ClinVar's aggregate classification.